The following is an entry in ClinVar:

ClinVar aggregate classification (germline): Uncertain significance (1 of 4 stars; one submission).

Allele frequency attached by ClinVar (database versions not stated): gnomAD exomes 0.00001.
gnomAD v4.1: 8 of 1,614,082 alleles (0.0005%); highest among the groups gnomAD compares: Non-Finnish European, 0.00068%; no homozygotes.

Submission:

Ambry Genetics
Classification: Uncertain significance. Last evaluated: 2023-04-18. Review status: criteria provided, single submitter. Criteria: Ambry Variant Classification Scheme 2023. Collection method: clinical testing. Allele origin: germline.
Comment: The p.A577T variant (also known as c.1729G>A), located in coding exon 9 of the PALLD gene, results from a G to A substitution at nucleotide position 1729. The alanine at codon 577 is replaced by threonine, an amino acid with similar properties. This amino acid position is conserved. In addition, this alteration is predicted to be tolerated by in silico analysis. Since supporting evidence is limited at this time, the clinical significance of this alteration remains unclear.

NM_001166108.2(PALLD):c.1729G>A (p.Ala577Thr)

Gene: PALLD (palladin, cytoskeletal associated protein; plus strand). Cytogenetic location: 4q32.3.
Variant type: single nucleotide variant.
Coding change: c.1729G>A on transcript NM_001166108.2 (MANE Select); coding-DNA position 1729, G replaced by A.
Protein change: p.Ala577Thr; replaces alanine 577 with threonine.
Molecular consequence: missense variant.
Genome position (GRCh38, 1-based): chr4:168,711,688, G>A. VCF-style: chr4-168711688-G-A. GRCh37 (hg19) VCF-style: chr4-169632839-G-A.
Other names: c.583G>A, p.Ala195Thr (NM_001166109.2); c.1729G>A, p.Ala577Thr (NM_016081.4); short protein forms A195T, A577T.
Identifiers: ClinVar variation 2563397 (VCV002563397.2), dbSNP rs2531855411, ClinGen allele CA358798086.
Genomic context (GRCh38, chr4:168,711,688, plus strand): 5'-GACCACTTCCAACACTTTCCACCTCCCCCTCCAATCTTGGAGACAAGTTCCTTGGAGTTG[G>A]CTTCAAAGAAACCATCTGAGATCCAGCAGGTGAACAACCCTGAGTTAGGCCTGAGCAGGG-3'
Protein context (NP_001159580.1, residues 567-587): PILETSSLEL[Ala577Thr]SKKPSEIQQV